The following is an entry in ClinVar:

NM_001113378.2(FANCI):c.550G>C (p.Val184Leu)

Gene: FANCI (FA complementation group I; plus strand). Cytogenetic location: 15q26.1.
Variant type: single nucleotide variant.
Coding change: c.550G>C on transcript NM_001113378.2 (MANE Select); coding-DNA position 550, G replaced by C.
Protein change: p.Val184Leu; replaces valine 184 with leucine.
Molecular consequence: missense variant.
Genome position (GRCh38, 1-based): chr15:89,263,907, G>C. VCF-style: chr15-89263907-G-C. GRCh37 (hg19) VCF-style: chr15-89807138-G-C.
Other names: c.271G>C, p.Val91Leu (NM_001376910.1); c.550G>C, p.Val184Leu (NM_001376911.1, NM_018193.3); short protein forms V184L, V91L.
Identifiers: ClinVar variation 435156 (VCV000435156.12), dbSNP rs571745030, ClinGen allele CA7722687.
Genomic context (GRCh38, chr15:89,263,907, plus strand): 5'-TCTGAAAACAAGGCAGTTAGACACTGTCTATAGCCTTTAGAATCTTTGATCCACAGGGAT[G>C]TCCCTCTGACTGCAGAAGAGGTGGAATTTGTGGTGGAAAAAGCATTGAGCATGTTCTCCA-3'
Protein context (NP_001106849.1, residues 174-194): VIQLTSMFKD[Val184Leu]PLTAEEVEFV

ClinVar aggregate classification (germline): Uncertain significance. Review status: criteria provided, multiple submitters, no conflicts (2 of 4 stars). 4 submissions from 4 submitters: Uncertain significance (4). Last evaluated 2024-11-13.

Conditions:
Inborn genetic diseases. Identifiers: MedGen C0950123, MeSH D030342.
Fanconi anemia (FA). Also called: Fanconi's anemia. Identifiers: Orphanet 84, MedGen C0015625, MeSH D005199, MONDO:0019391.
Fanconi anemia complementation group I (FANCI). Also called: FANCI-Related Fanconi Anemia. Identifiers: Orphanet 84, MedGen C1836861, MONDO:0012186, OMIM 609053.

Allele frequency attached by ClinVar (database versions not stated): ExAC 0.00004; gnomAD 0.00004 and 0.00005; TOPMed 0.00006; 1000 Genomes Project 30x 0.00016; 1000 Genomes Project 0.00020.
gnomAD v4.1: 45 of 1,614,062 alleles (0.0028%); highest among the groups gnomAD compares: Admixed American, 0.013%; no homozygotes.

Submissions (4):

Ambry Genetics
Classification: Uncertain significance for Inborn genetic diseases. Last evaluated: 2024-11-13. Review status: criteria provided, single submitter. Criteria: Ambry Variant Classification Scheme 2023. Collection method: clinical testing. Allele origin: germline.

Fulgent Genetics
Classification: Uncertain significance for Fanconi anemia complementation group I. Last evaluated: 2024-04-29. Review status: criteria provided, single submitter. Criteria: ACMG Guidelines, 2015. Collection method: clinical testing. Allele origin: germline.

Labcorp Genetics (formerly Invitae), Labcorp
Classification: Uncertain significance for Fanconi anemia. Last evaluated: 2024-04-27. Review status: criteria provided, single submitter. Criteria: Invitae Variant Classification Sherloc (09022015). Collection method: clinical testing. Allele origin: germline.
Comment: This sequence change replaces valine, which is neutral and non-polar, with leucine, which is neutral and non-polar, at codon 184 of the FANCI protein (p.Val184Leu). This variant is present in population databases (rs571745030, gnomAD 0.02%). This variant has not been reported in the literature in individuals affected with FANCI-related conditions. ClinVar contains an entry for this variant (Variation ID: 435156). Advanced modeling of protein sequence and biophysical properties (such as structural, functional, and spatial information, amino acid conservation, physicochemical variation, residue mobility, and thermodynamic stability) has been performed at Invitae for this missense variant, however the output from this modeling did not meet the statistical confidence thresholds required to predict the impact of this variant on FANCI protein function. In summary, the available evidence is currently insufficient to determine the role of this variant in disease. Therefore, it has been classified as a Variant of Uncertain Significance.

Genetic Services Laboratory, University of Chicago
Classification: Uncertain significance. Last evaluated: 2016-04-19. Review status: criteria provided, single submitter. Criteria: ACMG Guidelines, 2015. Collection method: clinical testing. Allele origin: germline. Affected: no.